The following is an entry in ClinVar:

ClinVar aggregate classification (germline): Pathogenic (1 of 4 stars; one submission).

Conditions:
Duchenne muscular dystrophy (DMD). Also called: Duchenne Muscular Dystrophy (DMD); MUSCULAR DYSTROPHY, PSEUDOHYPERTROPHIC PROGRESSIVE, DUCHENNE TYPE. Identifiers: Orphanet 98896, MedGen C0013264, MONDO:0010679, OMIM 310200.

Submission:

Labcorp Genetics (formerly Invitae), Labcorp
Classification: Pathogenic for Duchenne muscular dystrophy. Last evaluated: 2019-12-04. Review status: criteria provided, single submitter. Criteria: Invitae Variant Classification Sherloc (09022015). Collection method: clinical testing. Allele origin: germline.
Comment: For these reasons, this variant has been classified as Pathogenic. Loss-of-function variants in DMD are known to be pathogenic (PMID: 16770791, 25007885). This variant has not been reported in the literature in individuals with DMD-related conditions. This variant is an out-of-frame deletion of the genomic region encompassing exons 55-57 of the DMD gene. This is expected to create a premature translational stop signal and result in an absent or disrupted protein product.

Literature cited by the submitters: PubMed 16770791; PubMed 25007885.

NC_000023.11:g.(?_31496788)_(31627862_?)del

Gene: DMD (dystrophin; minus strand). Cytogenetic location: Xp21.1.
Variant type: Deletion.
Identifiers: ClinVar variation 832856 (VCV000832856.6).